The following is an entry in ClinVar:

ClinVar aggregate classification (germline): Pathogenic (1 of 4 stars; one submission).

Conditions:
Severe combined immunodeficiency due to IKK2 deficiency. Also called: IMMUNODEFICIENCY 15B; Immunodeficiency 15. Identifiers: Orphanet 397787, MedGen C4747743, MONDO:0014267, OMIM 615592.

Submission:

Labcorp Genetics (formerly Invitae), Labcorp
Classification: Pathogenic for Severe combined immunodeficiency due to IKK2 deficiency. Last evaluated: 2022-01-11. Review status: criteria provided, single submitter. Criteria: Invitae Variant Classification Sherloc (09022015). Collection method: clinical testing. Allele origin: germline.
Comment: For these reasons, this variant has been classified as Pathogenic. Algorithms developed to predict the effect of sequence changes on RNA splicing suggest that this variant may create or strengthen a splice site. This variant has not been reported in the literature in individuals affected with IKBKB-related conditions. This variant is not present in population databases (gnomAD no frequency). This sequence change creates a premature translational stop signal (p.Met537*) in the IKBKB gene. It is expected to result in an absent or disrupted protein product. Loss-of-function variants in IKBKB are known to be pathogenic (PMID: 24369075, 24679846).

Literature cited by the submitters: PubMed 24369075; PubMed 24679846.

NM_001556.3(IKBKB):c.1609del (p.Arg536_Met537insTer)

Gene: IKBKB (inhibitor of nuclear factor kappa B kinase subunit beta; plus strand). Cytogenetic location: 8p11.21.
Variant type: Deletion.
Coding change: c.1609del on transcript NM_001556.3 (MANE Select); coding-DNA position 1609, one base deleted (A; older notation c.1609delA).
Protein change: p.Arg536_Met537insTer.
Molecular consequence: nonsense. On other transcripts: non-coding transcript variant (3).
Genome position (GRCh38, 1-based): chr8:42,320,765, A deleted. VCF-style (leftmost placement, unchanged base first): chr8-42320764-GA-G. GRCh37 (hg19) VCF-style: chr8-42178282-GA-G.
Other names: c.1417del, p.Arg472_Met473insTer (NM_001190720.3); c.1432del, p.Arg477_Met478insTer (NM_001242778.2).
Identifiers: ClinVar variation 2080261 (VCV002080261.4), dbSNP rs2487713743, ClinGen allele CA2580078310.